The following is an entry in ClinVar:

ClinVar aggregate classification (germline): Uncertain significance (1 of 4 stars; one submission).

Conditions:
Aortic aneurysm, familial thoracic 4 (AAT4). Also called: AORTIC ANEURYSM/AORTIC DISSECTION AND PATENT DUCTUS ARTERIOSUS. Identifiers: MedGen C1851504, MONDO:0007568, OMIM 132900.

gnomAD v4.1: 1 of 1,611,654 alleles (0.000062%); highest among the groups gnomAD compares: Non-Finnish European, 0.000085%; no homozygotes.

Submission:

Labcorp Genetics (formerly Invitae), Labcorp
Classification: Uncertain significance for Aortic aneurysm, familial thoracic 4. Last evaluated: 2024-12-17. Review status: criteria provided, single submitter. Criteria: Invitae Variant Classification Sherloc (09022015). Collection method: clinical testing. Allele origin: germline.
Comment: This sequence change replaces glutamic acid, which is acidic and polar, with lysine, which is basic and polar, at codon 1047 of the MYH11 protein (p.Glu1047Lys). This variant is present in population databases (no rsID available, gnomAD 0.007%). This variant has not been reported in the literature in individuals affected with MYH11-related conditions. Invitae Evidence Modeling of protein sequence and biophysical properties (such as structural, functional, and spatial information, amino acid conservation, physicochemical variation, residue mobility, and thermodynamic stability) indicates that this missense variant is not expected to disrupt MYH11 protein function with a negative predictive value of 95%. In summary, the available evidence is currently insufficient to determine the role of this variant in disease. Therefore, it has been classified as a Variant of Uncertain Significance.

NM_002474.3(MYH11):c.3118G>A (p.Glu1040Lys)

Gene: MYH11 (myosin heavy chain 11; minus strand). Cytogenetic location: 16p13.11.
Variant type: single nucleotide variant.
Coding change: c.3118G>A on transcript NM_002474.3 (MANE Select); coding-DNA position 3118, G replaced by A.
Protein change: p.Glu1040Lys; replaces glutamic acid 1040 with lysine.
Molecular consequence: missense variant.
Genome position (GRCh38, 1-based): chr16:15,738,568, C>T on the plus strand (G>A on the coding strand, the complement: MYH11 is on the minus strand). VCF-style: chr16-15738568-C-T. GRCh37 (hg19) VCF-style: chr16-15832425-C-T.
Other names: c.3139G>A, p.Glu1047Lys (NM_001040113.2, NM_001040114.2); c.3118G>A, p.Glu1040Lys (NM_022844.3); short protein forms E1040K, E1047K.
Identifiers: ClinVar variation 3612548 (VCV003612548.2).
Genomic context (GRCh38, chr16:15,738,568, plus strand): 5'-ATCTCTAAAAAAAATAATAAAATAAAATAAAAATAAATCTCTTGGTAGCTGGTTTACCTT[C>T]CAGTTCTGAAATCATAGATTCATGCTTGTTTTTCAGCTTGGTAAGATTCTTGGCCTTTTC-3'
Protein context (NP_002465.1, residues 1030-1050): NKHESMISEL[Glu1040Lys]VRLKKEEKSR